The following is an entry in ClinVar:

NM_017780.4(CHD7):c.5180A>G (p.Tyr1727Cys)

Gene: CHD7 (chromodomain helicase DNA binding protein 7; plus strand). Cytogenetic location: 8q12.2.
Variant type: single nucleotide variant.
Coding change: c.5180A>G on transcript NM_017780.4 (MANE Select); coding-DNA position 5180, A replaced by G.
Protein change: p.Tyr1727Cys; replaces tyrosine 1727 with cysteine.
Molecular consequence: missense variant. On other transcripts: intron variant (1).
Genome position (GRCh38, 1-based): chr8:60,845,379, A>G. VCF-style: chr8-60845379-A-G. GRCh37 (hg19) VCF-style: chr8-61757938-A-G.
Other names: c.1717-16850A>G (NM_001316690.1); short protein forms Y1727C.
Identifiers: ClinVar variation 3350433 (VCV003350433.3).
Genomic context (GRCh38, chr8:60,845,379, plus strand): 5'-TGCAGGATGCCGACTGGCTGGCCAGCTGCAACCCAGATGCCCTGTTCCAGGAGGACAGCT[A>G]CAAGAAACACCTGAAGCATCACTGTAACAAGTATGTTATTAGAGGGTGGACCTGGAGAGC-3'
Protein context (NP_060250.2, residues 1717-1737): NPDALFQEDS[Tyr1727Cys]KKHLKHHCNK

ClinVar aggregate classification (germline): Uncertain significance. Review status: criteria provided, single submitter (1 of 4 stars). 2 submissions from 2 submitters: Uncertain significance (1). 1 of the submissions does not count toward it.

Conditions:
CHD7-related disorder. Also called: CHD7-related condition.
Hypogonadotropic hypogonadism 5 with or without anosmia (KAL5). Also called: HYPOGONADOTROPIC HYPOGONADISM 5 WITH ANOSMIA; HYPOGONADOTROPHIC HYPOGONADISM 5 WITHOUT ANOSMIA; CHD7-Related GnRH Deficiency (Kallmann Syndrome 5). Identifiers: Orphanet 478, MedGen C3552553, MONDO:0012880, OMIM 612370. Disease mechanism: loss of function.

Submissions (2):

Juno Genomics, Hangzhou Juno Genomics, Inc
Classification: Uncertain significance for Hypogonadotropic hypogonadism 5 with or without anosmia. Review status: criteria provided, single submitter. Criteria: ACMG Guidelines, 2015. Collection method: clinical testing. Allele origin: germline. Affected: yes.
Comment: Absent from controls (or at extremely low frequency if recessive) in Genome Aggregation Database, Exome Sequencing Project, 1000 Genomes Project, or Exome Aggregation Consortium.;Multiple lines of computational evidence support a deleterious effect on the gene or gene product (conservation, evolutionary, splicing impact, etc).;Missense variant in a gene that has a low rate of benign missense variation and where missense variants are a common mechanism of disease.

PreventionGenetics, part of Exact Sciences
Classification: Uncertain significance for CHD7-related condition. Last evaluated: 2024-03-25. Review status: no assertion criteria provided. Collection method: clinical testing. Allele origin: germline. Not counted in ClinVar's aggregate classification.
Comment: The CHD7 c.5180A>G variant is predicted to result in the amino acid substitution p.Tyr1727Cys. To our knowledge, this variant has not been reported in the literature or in a large population database, indicating this variant is rare. At this time, the clinical significance of this variant is uncertain due to the absence of conclusive functional and genetic evidence.